The following is an entry in ClinVar:

NM_007286.6(SYNPO):c.2554C>T (p.Arg852Cys)

Gene: SYNPO (synaptopodin; plus strand). Cytogenetic location: 5q33.1.
Variant type: single nucleotide variant.
Coding change: c.2554C>T on transcript NM_007286.6 (MANE Select); coding-DNA position 2554, C replaced by T.
Protein change: p.Arg852Cys; replaces arginine 852 with cysteine.
Molecular consequence: missense variant.
Genome position (GRCh38, 1-based): chr5:150,656,929, C>T. VCF-style: chr5-150656929-C-T. GRCh37 (hg19) VCF-style: chr5-150036491-C-T.
Other names: short protein forms R852C.
Identifiers: ClinVar variation 2029981 (VCV002029981.4), dbSNP rs768848545, ClinGen allele CA3513634.

ClinVar aggregate classification (germline): Uncertain significance (1 of 4 stars; one submission).

Allele frequency attached by ClinVar (database versions not stated): gnomAD exomes below 0.00001; TOPMed below 0.00001.
gnomAD v4.1: 5 of 1,580,814 alleles (0.00032%); highest among the groups gnomAD compares: Non-Finnish European, 0.00043%; no homozygotes.

Submission:

Labcorp Genetics (formerly Invitae), Labcorp
Classification: Uncertain significance. Last evaluated: 2022-09-14. Review status: criteria provided, single submitter. Criteria: Invitae Variant Classification Sherloc (09022015). Collection method: clinical testing. Allele origin: germline.
Comment: This sequence change replaces arginine, which is basic and polar, with cysteine, which is neutral and slightly polar, at codon 852 of the SYNPO protein (p.Arg852Cys). This variant is not present in population databases (gnomAD no frequency). This variant has not been reported in the literature in individuals affected with SYNPO-related conditions. Algorithms developed to predict the effect of missense changes on protein structure and function (SIFT, PolyPhen-2, Align-GVGD) all suggest that this variant is likely to be disruptive. In summary, the available evidence is currently insufficient to determine the role of this variant in disease. Therefore, it has been classified as a Variant of Uncertain Significance.